The following is an entry in ClinVar:

ClinVar aggregate classification (germline): Uncertain significance (1 of 4 stars; one submission).

Conditions:
Chédiak-Higashi syndrome (CHS). Also called: Chediak-Higashi Syndrome. Identifiers: Orphanet 167, MedGen C0007965, MONDO:0008963, OMIM 214500.

Submission:

Labcorp Genetics (formerly Invitae), Labcorp
Classification: Uncertain significance for Chédiak-Higashi syndrome. Last evaluated: 2026-01-20. Review status: criteria provided, single submitter. Criteria: Invitae Variant Classification Sherloc (09022015). Collection method: clinical testing. Allele origin: germline.
Comment: This sequence change replaces arginine, which is basic and polar, with lysine, which is basic and polar, at codon 1143 of the LYST protein (p.Arg1143Lys). This variant is not present in population databases (gnomAD no frequency). This variant has not been reported in the literature in individuals affected with LYST-related conditions. Invitae Evidence Modeling of protein sequence and biophysical properties (such as structural, functional, and spatial information, amino acid conservation, physicochemical variation, residue mobility, and thermodynamic stability) indicates that this missense variant is not expected to disrupt LYST protein function with a negative predictive value of 80%. In summary, the available evidence is currently insufficient to determine the role of this variant in disease. Therefore, it has been classified as a Variant of Uncertain Significance.

NM_000081.4(LYST):c.3428G>A (p.Arg1143Lys)

Gene: LYST (lysosomal trafficking regulator; minus strand). Cytogenetic location: 1q42.3.
Variant type: single nucleotide variant.
Coding change: c.3428G>A on transcript NM_000081.4 (MANE Select); coding-DNA position 3428, G replaced by A.
Protein change: p.Arg1143Lys; replaces arginine 1143 with lysine.
Molecular consequence: missense variant.
Genome position (GRCh38, 1-based): chr1:235,804,631, C>T on the plus strand (G>A on the coding strand, the complement: LYST is on the minus strand). VCF-style: chr1-235804631-C-T. GRCh37 (hg19) VCF-style: chr1-235967931-C-T.
Other names: c.3428G>A, p.Arg1143Lys (NM_001301365.1); short protein forms R1143K.
Identifiers: ClinVar variation 4778995 (VCV004778995.1).